The following is an entry in ClinVar:

NM_004984.4(KIF5A):c.2881G>A (p.Ala961Thr)

Gene: KIF5A (kinesin family member 5A; plus strand). Cytogenetic location: 12q13.3.
Variant type: single nucleotide variant.
Coding change: c.2881G>A on transcript NM_004984.4 (MANE Select); coding-DNA position 2881, G replaced by A.
Protein change: p.Ala961Thr; replaces alanine 961 with threonine.
Molecular consequence: missense variant.
Genome position (GRCh38, 1-based): chr12:57,581,540, G>A. VCF-style: chr12-57581540-G-A. GRCh37 (hg19) VCF-style: chr12-57975323-G-A.
Other names: p.Ala961Thr; c.2614G>A, p.Ala872Thr (NM_001354705.2); short protein forms A961T, A872T.
Identifiers: ClinVar variation 309949 (VCV000309949.43), dbSNP rs746095110, ClinGen allele CA6653231.
Genomic context (GRCh38, chr12:57,581,540, plus strand): 5'-CCTGAGTGCATCAGTTACACCAACAGCCTCTTCCAGAACTACCAGAATCTCTACCTGCAG[G>A]CCACACCCAGCTCCACCTCAGATATGTAGTGAGTGACCACACGTGTGGGTTGGAGTCCCA-3'
Protein context (NP_004975.2, residues 951-971): FQNYQNLYLQ[Ala961Thr]TPSSTSDMYF

ClinVar aggregate classification (germline): Conflicting classifications of pathogenicity. Review status: criteria provided, conflicting classifications (1 of 4 stars). 9 submissions from 9 submitters: Uncertain significance (3); Likely benign (5). 1 of the submissions does not count toward it. Last evaluated 2026-01-21.

Conditions:
Hereditary spastic paraplegia 10 (SPG10). Also called: SPASTIC PARAPLEGIA 10, AUTOSOMAL DOMINANT; SPASTIC PARAPLEGIA 10 WITH OR WITHOUT PERIPHERAL NEUROPATHY; SPASTIC PARAPLEGIA 10 WITH PERIPHERAL NEUROPATHY. Identifiers: Orphanet 100991, MedGen C1858712, MONDO:0011408, OMIM 604187.
Spastic paraplegia. Identifiers: MedGen C0037772, HP:0001258.
KIF5A-related disorder. Also called: KIF5A-related disorders; KIF5A-related condition.
Distal myopathy. Identifiers: Orphanet 599, MedGen C0751336, MONDO:0018949.
Inborn genetic diseases. Identifiers: MedGen C0950123, MeSH D030342.

Allele frequency attached by ClinVar (database versions not stated): gnomAD exomes 0.00009 and 0.00005; gnomAD 0.00002 and 0.00004; TOPMed 0.00003; ExAC 0.00009.
gnomAD v4.1: 92 of 1,614,080 alleles (0.0057%); highest among the groups gnomAD compares: Middle Eastern, 0.049%; no homozygotes.

Submissions (9):

Labcorp Genetics (formerly Invitae), Labcorp
Classification: Likely benign for Spastic paraplegia. Last evaluated: 2026-01-21. Review status: criteria provided, single submitter. Criteria: Invitae Variant Classification Sherloc (09022015). Collection method: clinical testing. Allele origin: germline.

Ambry Genetics
Classification: Uncertain significance for Inborn genetic diseases. Last evaluated: 2025-08-21. Review status: criteria provided, single submitter. Criteria: Ambry Variant Classification Scheme 2023. Collection method: clinical testing. Allele origin: germline.

Mayo Clinic Laboratories, Mayo Clinic
Classification: Likely benign. Last evaluated: 2025-07-16. Review status: criteria provided, single submitter. Criteria: ACMG Guidelines, 2015. Collection method: clinical testing. Allele origin: germline. Observed: 2 variant alleles.
Comment: BS2, BP4_moderate

CeGaT Center for Human Genetics Tuebingen
Classification: Likely benign. Last evaluated: 2023-11-01. Review status: criteria provided, single submitter. Criteria: CeGaT Center For Human Genetics Tuebingen Variant Classification Criteria Version 2. Collection method: clinical testing. Allele origin: germline. Affected: yes. Observed: 3 variant alleles.
Comment: KIF5A: BP4

Athena Diagnostics
Classification: Uncertain significance. Last evaluated: 2023-09-02. Review status: criteria provided, single submitter. Criteria: Athena Diagnostics Criteria. Collection method: clinical testing. Allele origin: unknown.
Comment: Available data are insufficient to determine the clinical significance of the variant at this time. The frequency of this variant in the general population is higher than would generally be expected for pathogenic variants in this gene. Computational tools predict that this variant is not damaging.

Blueprint Genetics
Classification: Likely benign. Last evaluated: 2022-07-17. Review status: criteria provided, single submitter. Criteria: ACMG Guidelines, 2015. Collection method: clinical testing. Allele origin: germline.

Cambridge Genomics Laboratory, East Genomic Laboratory Hub, NHS Genomic Medicine Service
Classification: Uncertain significance for Distal myopathy. Last evaluated: 2020-05-14. Review status: criteria provided, single submitter. Criteria: ACGS Best Practice Guidelines for Variant Classification in Rare Disease 2020. Collection method: clinical testing. Allele origin: germline. Affected: yes. Observed: 1 variant allele.

Illumina Laboratory Services, Illumina
Classification: Likely benign for Hereditary spastic paraplegia 10. Last evaluated: 2018-01-12. Review status: criteria provided, single submitter. Criteria: ICSL Variant Classification Criteria 13 December 2019. Collection method: clinical testing. Allele origin: germline.
Comment: This variant was observed in the ICSL laboratory as part of a predisposition screen in an ostensibly healthy population. It had not been previously curated by ICSL or reported in the Human Gene Mutation Database (HGMD: prior to June 1st, 2018), and was therefore a candidate for classification through an automated scoring system. Utilizing variant allele frequency, disease prevalence and penetrance estimates, and inheritance mode, an automated score was calculated to assess if this variant is too frequent to cause the disease. Based on the score and internal cut-off values, a variant classified as likely benign is not then subjected to further curation. The score for this variant resulted in a classification of likely benign for this disease.

PreventionGenetics, part of Exact Sciences
Classification: Uncertain significance for KIF5A-related condition. Last evaluated: 2024-03-27. Review status: no assertion criteria provided. Collection method: clinical testing. Allele origin: germline. Not counted in ClinVar's aggregate classification.
Comment: The KIF5A c.2881G>A variant is predicted to result in the amino acid substitution p.Ala961Thr. To our knowledge, this variant has not been reported in the literature. This variant is reported in 0.013% of alleles in individuals of European (Non-Finnish) descent in gnomAD. At this time, the clinical significance of this variant is uncertain due to the absence of conclusive functional and genetic evidence.